The following is an entry in ClinVar:

ClinVar aggregate classification (germline): Uncertain significance (1 of 4 stars; one submission).

Conditions:
Multiple endocrine neoplasia, type 1 (MEN1). Also called: MEA I; MEN I; WERMER SYNDROME; Endocrine adenomatosis multiple; MEN 1. Identifiers: Orphanet 652, MedGen C0025267, MeSH D018761, MONDO:0007540, OMIM 131100.

Submission:

Labcorp Genetics (formerly Invitae), Labcorp
Classification: Uncertain significance for Multiple endocrine neoplasia, type 1. Last evaluated: 2023-10-09. Review status: criteria provided, single submitter. Criteria: Invitae Variant Classification Sherloc (09022015). Collection method: clinical testing. Allele origin: germline.
Comment: This sequence change replaces phenylalanine, which is neutral and non-polar, with leucine, which is neutral and non-polar, at codon 186 of the MEN1 protein (p.Phe186Leu). This variant is not present in population databases (gnomAD no frequency). This variant has not been reported in the literature in individuals affected with MEN1-related conditions. Advanced modeling of protein sequence and biophysical properties (such as structural, functional, and spatial information, amino acid conservation, physicochemical variation, residue mobility, and thermodynamic stability) performed at Invitae indicates that this missense variant is expected to disrupt MEN1 protein function. In summary, the available evidence is currently insufficient to determine the role of this variant in disease. Therefore, it has been classified as a Variant of Uncertain Significance.

NM_001370259.2(MEN1):c.556T>C (p.Phe186Leu)

Gene: MEN1 (menin 1; minus strand). Cytogenetic location: 11q13.1.
Variant type: single nucleotide variant.
Coding change: c.556T>C on transcript NM_001370259.2 (MANE Select); coding-DNA position 556, T replaced by C.
Protein change: p.Phe186Leu; replaces phenylalanine 186 with leucine.
Molecular consequence: missense variant. On other transcripts: non-coding transcript variant (4), intron variant (5).
Genome position (GRCh38, 1-based): chr11:64,807,989, A>G on the plus strand (T>C on the coding strand, the complement: MEN1 is on the minus strand). VCF-style: chr11-64807989-A-G. GRCh37 (hg19) VCF-style: chr11-64575461-A-G.
Other names: c.571T>C, p.Phe191Leu (NM_000244.4, NM_001407145.1, NM_001407150.1 and 5 more transcripts); c.556T>C, p.Phe186Leu (NM_001370251.2, NM_001370260.2, NM_001370261.2 and 7 more transcripts); c.549+7T>C (NM_001407148.1, NM_001407149.1, NM_001407151.1 and 2 more transcripts); short protein forms F186L, F191L.
Identifiers: ClinVar variation 2767086 (VCV002767086.3), dbSNP rs1431991249, ClinGen allele CA381185754.
Genomic context (GRCh38, chr11:64,807,989, plus strand): 5'-GGTCCTCGTTGCCCTTGCCGTGCCAGGTGACCTCAGCTGTCTGCTCCCCATTGGGCCCAA[A>G]CACTACCCAGGCATGATCCTCAGACAGGGCGAGGTGGACATCCCGGAGACCCAGGGCCTG-3'
Protein context (NP_001357188.2, residues 176-196): ALSEDHAWVV[Phe186Leu]GPNGEQTAEV